The following is an entry in ClinVar:

ClinVar aggregate classification (germline): Uncertain significance (1 of 4 stars; one submission).

Submission:

GeneDx
Classification: Uncertain significance. Last evaluated: 2023-07-31. Review status: criteria provided, single submitter. Criteria: GeneDx Variant Classification Process June 2021. Collection method: clinical testing. Allele origin: germline. Affected: yes.
Comment: Not observed at significant frequency in large population cohorts (gnomAD); In silico analysis supports that this missense variant has a deleterious effect on protein structure/function; Has not been previously published as pathogenic or benign to our knowledge

NM_001376.5(DYNC1H1):c.1420G>A (p.Glu474Lys)

Gene: DYNC1H1 (dynein cytoplasmic 1 heavy chain 1; plus strand). Cytogenetic location: 14q32.31.
Variant type: single nucleotide variant.
Coding change: c.1420G>A on transcript NM_001376.5 (MANE Select); coding-DNA position 1420, G replaced by A.
Protein change: p.Glu474Lys; replaces glutamic acid 474 with lysine.
Molecular consequence: missense variant.
Genome position (GRCh38, 1-based): chr14:101,983,568, G>A. VCF-style: chr14-101983568-G-A. GRCh37 (hg19) VCF-style: chr14-102449905-G-A.
Other names: short protein forms E474K.
Identifiers: ClinVar variation 3361562 (VCV003361562.1).
Genomic context (GRCh38, chr14:101,983,568, plus strand): 5'-CCTGCCCACAGGAAGCTGCAGGCCCGCCTTGACCAGATGAGAAAATTTAGACGCCAGCAT[G>A]AACAGCTAAGAGCTGTTATCGTCAGGGTCCTGAGGCCACAGGTAAGATTTGCATTCTAAA-3'
Protein context (NP_001367.2, residues 464-484): DQMRKFRRQH[Glu474Lys]QLRAVIVRVL